The following is an entry in ClinVar:

ClinVar aggregate classification (germline): Uncertain significance. Review status: criteria provided, multiple submitters, no conflicts (2 of 4 stars). 2 submissions from 2 submitters: Uncertain significance (2). Last evaluated 2024-03-15.

Conditions:
Seizures, benign familial infantile, 3 (BFIS3). Also called: CONVULSIONS, BENIGN FAMILIAL INFANTILE, 3; Familial neonatal seizures. Identifiers: Orphanet 140927, Orphanet 306, MedGen C1843140, MONDO:0011904, OMIM 607745.
Developmental and epileptic encephalopathy, 11 (DEE11). Also called: Early infantile epileptic encephalopathy 11. Identifiers: Orphanet 1934, MedGen C3150987, MONDO:0013388, OMIM 613721.

Allele frequency attached by ClinVar (database versions not stated): gnomAD exomes below 0.00001.
gnomAD v4.1: 1 of 1,613,346 alleles (0.000062%); highest among the groups gnomAD compares: Non-Finnish European, 0.000085%; no homozygotes.

Submissions (2):

Labcorp Genetics (formerly Invitae), Labcorp
Classification: Uncertain significance for Seizures, benign familial infantile, 3; Developmental and epileptic encephalopathy, 11. Last evaluated: 2024-03-15. Review status: criteria provided, single submitter. Criteria: Invitae Variant Classification Sherloc (09022015). Collection method: clinical testing. Allele origin: germline.
Comment: This sequence change replaces lysine, which is basic and polar, with threonine, which is neutral and polar, at codon 1132 of the SCN2A protein (p.Lys1132Thr). This variant is not present in population databases (gnomAD no frequency). This variant has not been reported in the literature in individuals affected with SCN2A-related conditions. ClinVar contains an entry for this variant (Variation ID: 1694973). Advanced modeling of protein sequence and biophysical properties (such as structural, functional, and spatial information, amino acid conservation, physicochemical variation, residue mobility, and thermodynamic stability) performed at Invitae indicates that this missense variant is expected to disrupt SCN2A protein function with a positive predictive value of 95%. In summary, the available evidence is currently insufficient to determine the role of this variant in disease. Therefore, it has been classified as a Variant of Uncertain Significance.

CeGaT Center for Human Genetics Tuebingen
Classification: Uncertain significance. Last evaluated: 2022-04-01. Review status: criteria provided, single submitter. Criteria: CeGaT Center For Human Genetics Tuebingen Variant Classification Criteria Version 2. Collection method: clinical testing. Allele origin: germline. Affected: yes. Observed: 1 variant allele.
Comment: SCN2A: PM2

NM_001040142.2(SCN2A):c.3395A>C (p.Lys1132Thr)

Gene: SCN2A (sodium voltage-gated channel alpha subunit 2; plus strand). Cytogenetic location: 2q24.3.
Variant type: single nucleotide variant.
Coding change: c.3395A>C on transcript NM_001040142.2 (MANE Select); coding-DNA position 3395, A replaced by C.
Protein change: p.Lys1132Thr; replaces lysine 1132 with threonine.
Molecular consequence: missense variant.
Genome position (GRCh38, 1-based): chr2:165,354,667, A>C. VCF-style: chr2-165354667-A-C. GRCh37 (hg19) VCF-style: chr2-166211177-A-C.
Other names: c.3395A>C, p.Lys1132Thr (NM_001040143.2, NM_001371246.1, NM_001371247.1 and 1 more transcripts); short protein forms K1132T.
Identifiers: ClinVar variation 1694973 (VCV001694973.34), dbSNP rs2105337628, ClinGen allele CA349022073.